The following is an entry in ClinVar:

NM_001370298.3(FGD4):c.838A>G (p.Thr280Ala)

Gene: FGD4 (FYVE, RhoGEF and PH domain containing 4; plus strand). Cytogenetic location: 12p11.21.
Variant type: single nucleotide variant.
Coding change: c.838A>G on transcript NM_001370298.3 (MANE Select); coding-DNA position 838, A replaced by G.
Protein change: p.Thr280Ala; replaces threonine 280 with alanine.
Molecular consequence: missense variant. On other transcripts: 5 prime UTR variant (2), non-coding transcript variant (1), intron variant (1).
Genome position (GRCh38, 1-based): chr12:32,582,294, A>G. VCF-style: chr12-32582294-A-G. GRCh37 (hg19) VCF-style: chr12-32735228-A-G.
Other names: c.682A>G, p.Thr228Ala (NM_001304481.2); c.-418A>G (NM_001304483.2); c.-725A>G (NM_001304484.2); c.148A>G, p.Thr50Ala (NM_001330373.2, NM_001330374.2, NM_001384130.1); c.838A>G, p.Thr280Ala (NM_001384126.1); c.427A>G, p.Thr143Ala (NM_001384127.1, NM_001384128.1, NM_001384131.1 and 3 more transcripts); c.49-16203A>G (NM_001370297.1); short protein forms T143A, T50A, T228A, T280A.
Identifiers: ClinVar variation 946236 (VCV000946236.9), dbSNP rs1463004734, ClinGen allele CA384356230.

ClinVar aggregate classification (germline): Uncertain significance (1 of 4 stars; one submission).

Conditions:
Charcot-Marie-Tooth disease type 4. Also called: Charcot-Marie-Tooth disease, type IV; Charcot-Marie-Tooth, Type 4. Identifiers: Orphanet 64749, MedGen C4082197, MONDO:0018995.

Submission:

Labcorp Genetics (formerly Invitae), Labcorp
Classification: Uncertain significance for Charcot-Marie-Tooth disease type 4. Last evaluated: 2019-04-24. Review status: criteria provided, single submitter. Criteria: Invitae Variant Classification Sherloc (09022015). Collection method: clinical testing. Allele origin: germline.
Comment: This variant has not been reported in the literature in individuals with FGD4-related conditions. This sequence change replaces threonine with alanine at codon 143 of the FGD4 protein (p.Thr143Ala). The threonine residue is moderately conserved and there is a small physicochemical difference between threonine and alanine. This variant is not present in population databases (ExAC no frequency). Algorithms developed to predict the effect of missense changes on protein structure and function output the following: SIFT: "Tolerated"; PolyPhen-2: "Benign"; Align-GVGD: "Class C0". The alanine amino acid residue is found in multiple mammalian species, suggesting that this missense change does not adversely affect protein function. These predictions have not been confirmed by published functional studies and their clinical significance is uncertain. In summary, the available evidence is currently insufficient to determine the role of this variant in disease. Therefore, it has been classified as a Variant of Uncertain Significance.